The following is an entry in ClinVar:

NM_001851.6(COL9A1):c.425T>C (p.Val142Ala)

Gene: COL9A1 (collagen type IX alpha 1 chain; minus strand). Cytogenetic location: 6q13.
Variant type: single nucleotide variant.
Coding change: c.425T>C on transcript NM_001851.6 (MANE Select); coding-DNA position 425, T replaced by C.
Protein change: p.Val142Ala; replaces valine 142 with alanine.
Molecular consequence: missense variant.
Genome position (GRCh38, 1-based): chr6:70,294,438, A>G on the plus strand (T>C on the coding strand, the complement: COL9A1 is on the minus strand). VCF-style: chr6-70294438-A-G. GRCh37 (hg19) VCF-style: chr6-71004141-A-G.
Other names: c.425T>C, p.Val142Ala (NM_001377291.1); short protein forms V142A.
Identifiers: ClinVar variation 1063403 (VCV001063403.9), dbSNP rs1773775158, ClinGen allele CA364671510.

ClinVar aggregate classification (germline): Uncertain significance (1 of 4 stars; one submission).

Submission:

Labcorp Genetics (formerly Invitae), Labcorp
Classification: Uncertain significance. Last evaluated: 2025-03-17. Review status: criteria provided, single submitter. Criteria: Invitae Variant Classification Sherloc (09022015). Collection method: clinical testing. Allele origin: germline.
Comment: This sequence change replaces valine, which is neutral and non-polar, with alanine, which is neutral and non-polar, at codon 142 of the COL9A1 protein (p.Val142Ala). This variant is not present in population databases (gnomAD no frequency). This variant has not been reported in the literature in individuals affected with COL9A1-related conditions. ClinVar contains an entry for this variant (Variation ID: 1063403). Invitae Evidence Modeling of protein sequence and biophysical properties (such as structural, functional, and spatial information, amino acid conservation, physicochemical variation, residue mobility, and thermodynamic stability) indicates that this missense variant is not expected to disrupt COL9A1 protein function with a negative predictive value of 95%. In summary, the available evidence is currently insufficient to determine the role of this variant in disease. Therefore, it has been classified as a Variant of Uncertain Significance.